The following is an entry in ClinVar:

NM_012210.4(TRIM32):c.393T>C (p.Pro131=)

Genes: ASTN2 (astrotactin 2; minus strand), TRIM32 (tripartite motif containing 32; plus strand). Cytogenetic location: 9q33.1.
Variant type: single nucleotide variant.
Coding change: c.393T>C on transcript NM_012210.4 (MANE Select); coding-DNA position 393, T replaced by C.
Protein change: p.Pro131=; no amino-acid change (proline 131 retained).
Molecular consequence: synonymous variant. On other transcripts: intron variant (3).
Genome position (GRCh38, 1-based): chr9:116,698,135, T>C. VCF-style: chr9-116698135-T-C. GRCh37 (hg19) VCF-style: chr9-119460414-T-C.
Other names: c.393T>C, p.Pro131= (NM_001099679.2, NM_001379048.1, NM_001379049.1 and 1 more transcripts); c.2653+27636A>G (NM_014010.5); c.2794+27636A>G (NM_001365069.1); c.2806+27636A>G (NM_001365068.1).
Identifiers: ClinVar variation 4281022 (VCV004281022.7).

ClinVar aggregate classification (germline): Likely benign (1 of 4 stars; one submission).

Submission:

CeGaT Center for Human Genetics Tuebingen
Classification: Likely benign. Last evaluated: 2025-09-01. Review status: criteria provided, single submitter. Criteria: CeGaT Center For Human Genetics Tuebingen Variant Classification Criteria Version 2. Collection method: clinical testing. Allele origin: germline. Affected: yes. Observed: 1 variant allele.
Comment: TRIM32: PM2:Supporting, BP4, BP7